The following is an entry in ClinVar:

NM_000179.3(MSH6):c.2187_2194del (p.Tyr730fs)

Gene: MSH6 (mutS homolog 6; plus strand). Cytogenetic location: 2p16.3.
Variant type: Deletion.
Coding change: c.2187_2194del on transcript NM_000179.3 (MANE Select); coding-DNA positions 2187 to 2194, 8 bases deleted (CTATCAAC; older notation c.2187_2194delCTATCAAC).
Protein change: p.Tyr730fs; shifts the reading frame from tyrosine 730.
Molecular consequence: frameshift variant. On other transcripts: non-coding transcript variant (5), intron variant (2).
Genome position (GRCh38, 1-based): chr2:47,800,170-47,800,177, CTATCAAC deleted; deleting any 8 consecutive bases within chr2:47,800,169-47,800,177 gives the same sequence; the c. name uses the placement nearest the transcript's 3' end. VCF-style (leftmost placement, unchanged base first): chr2-47800168-GCCTATCAA-G. GRCh37 (hg19) VCF-style: chr2-48027307-GCCTATCAA-G.
Other names: c.1797_1804del, p.Tyr600fs (NM_001281492.2); c.1281_1288del, p.Tyr428fs (NM_001281493.2, NM_001281494.2, NM_001406811.1 and 6 more transcripts); c.2283_2290del, p.Tyr762fs (NM_001406795.1, NM_001406802.1); c.2187_2194del, p.Tyr730fs (NM_001406796.1, NM_001406798.1, NM_001406800.1 and 3 more transcripts); c.1890_1897del, p.Tyr631fs (NM_001406797.1, NM_001406801.1, NM_001406805.1 and 10 more transcripts); c.1662_1669del, p.Tyr555fs (NM_001406799.1, NM_001406806.1, NM_001406807.1); c.2109_2116del, p.Tyr704fs (NM_001406804.1); c.2193_2200del, p.Tyr732fs (NM_001406813.1); and 3 more; short protein forms Y704fs, Y730fs, Y631fs, Y555fs, Y674fs, Y732fs, Y428fs, Y600fs.
Identifiers: ClinVar variation 3148673 (VCV003148673.1), dbSNP rs2530656005, ClinGen allele CA2825001111.

ClinVar aggregate classification (germline): Pathogenic (1 of 4 stars; one submission).

Conditions:
Lynch syndrome 5 (LYNCH5). Also called: Colorectal cancer, hereditary nonpolyposis, type 5; Hereditary non-polyposis colorectal cancer, type 5. Identifiers: Orphanet 144, MedGen C1833477, MONDO:0013710, OMIM 614350. Disease mechanism: loss of function.

Submission:

Myriad Genetics, Inc.
Classification: Pathogenic for Lynch syndrome 5. Last evaluated: 2024-01-10. Review status: criteria provided, single submitter. Criteria: Myriad Autosomal Dominant, Autosomal Recessive and X-Linked Classification Criteria (2023). Collection method: clinical testing. Allele origin: unknown.
Comment: This variant is considered pathogenic. This variant creates a frameshift predicted to result in premature protein truncation.